The following is an entry in ClinVar:

NM_004463.3(FGD1):c.571G>A (p.Asp191Asn)

Gene: FGD1 (FYVE, RhoGEF and PH domain containing 1; minus strand). Cytogenetic location: Xp11.22.
Variant type: single nucleotide variant.
Coding change: c.571G>A on transcript NM_004463.3 (MANE Select); coding-DNA position 571, G replaced by A.
Protein change: p.Asp191Asn; replaces aspartic acid 191 with asparagine.
Molecular consequence: missense variant.
Genome position (GRCh38, 1-based): chrX:54,470,671, C>T on the plus strand (G>A on the coding strand, the complement: FGD1 is on the minus strand). VCF-style: chrX-54470671-C-T. GRCh37 (hg19) VCF-style: chrX-54497104-C-T.
Other names: short protein forms D191N.
Identifiers: ClinVar variation 918116 (VCV000918116.6), dbSNP rs1922868484, ClinGen allele CA413249470.

ClinVar aggregate classification (germline): Uncertain significance. Review status: criteria provided, multiple submitters, no conflicts (2 of 4 stars). 3 submissions from 3 submitters: Uncertain significance (3). Last evaluated 2025-02-08.

Conditions:
Inborn genetic diseases. Identifiers: MedGen C0950123, MeSH D030342.

Allele frequency attached by ClinVar (database versions not stated): TOPMed 0.00002.

Submissions (3):

Ambry Genetics
Classification: Uncertain significance for Inborn genetic diseases. Last evaluated: 2025-02-08. Review status: criteria provided, single submitter. Criteria: Ambry Variant Classification Scheme 2023. Collection method: clinical testing. Allele origin: germline.

Labcorp Genetics (formerly Invitae), Labcorp
Classification: Uncertain significance. Last evaluated: 2022-05-15. Review status: criteria provided, single submitter. Criteria: Invitae Variant Classification Sherloc (09022015). Collection method: clinical testing. Allele origin: germline.
Comment: This variant is not present in population databases (gnomAD no frequency). In summary, the available evidence is currently insufficient to determine the role of this variant in disease. Therefore, it has been classified as a Variant of Uncertain Significance. Algorithms developed to predict the effect of missense changes on protein structure and function are either unavailable or do not agree on the potential impact of this missense change (SIFT: "Deleterious"; PolyPhen-2: "Possibly Damaging"; Align-GVGD: "Class C15"). ClinVar contains an entry for this variant (Variation ID: 918116). This variant has not been reported in the literature in individuals affected with FGD1-related conditions. This sequence change replaces aspartic acid, which is acidic and polar, with asparagine, which is neutral and polar, at codon 191 of the FGD1 protein (p.Asp191Asn).

Women's Health and Genetics/Laboratory Corporation of America, LabCorp
Classification: Uncertain significance. Last evaluated: 2020-03-20. Review status: criteria provided, single submitter. Criteria: LabCorp Variant Classification Summary - May 2015. Collection method: clinical testing. Allele origin: germline.
Comment: Variant summary: FGD1 c.571G>A (p.Asp191Asn) results in a conservative amino acid change in the encoded protein sequence. Three of five in-silico tools predict a benign effect of the variant on protein function. The variant was absent in 151613 control chromosomes. The available data on variant occurrences in the general population are insufficient to allow any conclusion about variant significance. To our knowledge, no occurrence of c.571G>A in individuals affected with FGD1-Related disorders and no experimental evidence demonstrating its impact on protein function have been reported. No clinical diagnostic laboratories have submitted clinical-significance assessments for this variant to ClinVar after 2014. Based on the evidence outlined above, the variant was classified as uncertain significance.